The following is an entry in ClinVar:

NM_000548.5(TSC2):c.4581T>G (p.Phe1527Leu)

Gene: TSC2 (TSC complex subunit 2; plus strand). Cytogenetic location: 16p13.3.
Variant type: single nucleotide variant.
Coding change: c.4581T>G on transcript NM_000548.5 (MANE Select); coding-DNA position 4581, T replaced by G.
Protein change: p.Phe1527Leu; replaces phenylalanine 1527 with leucine.
Molecular consequence: missense variant. On other transcripts: non-coding transcript variant (5).
Genome position (GRCh38, 1-based): chr16:2,085,241, T>G. VCF-style: chr16-2085241-T-G. GRCh37 (hg19) VCF-style: chr16-2135242-T-G.
Other names: c.4272T>G, p.Phe1424Leu (NM_001318827.2); c.4236T>G, p.Phe1412Leu (NM_001318829.2); c.3849T>G, p.Phe1283Leu (NM_001318831.2); c.4413T>G, p.Phe1471Leu (NM_001318832.2); c.4383T>G, p.Phe1461Leu (NM_001363528.2); c.4449T>G, p.Phe1483Leu (NM_001370404.1); c.4452T>G, p.Phe1484Leu (NM_001370405.1, NM_021055.3); c.4578T>G, p.Phe1526Leu (NM_001406663.1); and 26 more; short protein forms F1036L, F1441L, F1456L, F1457L, F1461L, F1483L, F926L, F1013L.
Identifiers: ClinVar variation 2705118 (VCV002705118.3), dbSNP rs745860116, ClinGen allele CA394304402.

ClinVar aggregate classification (germline): Uncertain significance (1 of 4 stars; one submission).

Conditions:
Tuberous sclerosis 2 (TSC2). Identifiers: Orphanet 805, MedGen C1860707, MONDO:0013199, OMIM 613254.

Submission:

Labcorp Genetics (formerly Invitae), Labcorp
Classification: Uncertain significance for Tuberous sclerosis 2. Last evaluated: 2023-12-25. Review status: criteria provided, single submitter. Criteria: Invitae Variant Classification Sherloc (09022015). Collection method: clinical testing. Allele origin: germline.
Comment: This sequence change replaces phenylalanine, which is neutral and non-polar, with leucine, which is neutral and non-polar, at codon 1527 of the TSC2 protein (p.Phe1527Leu). This variant is not present in population databases (gnomAD no frequency). This variant has not been reported in the literature in individuals affected with TSC2-related conditions. Advanced modeling of protein sequence and biophysical properties (such as structural, functional, and spatial information, amino acid conservation, physicochemical variation, residue mobility, and thermodynamic stability) performed at Invitae indicates that this missense variant is not expected to disrupt TSC2 protein function with a negative predictive value of 95%. In summary, the available evidence is currently insufficient to determine the role of this variant in disease. Therefore, it has been classified as a Variant of Uncertain Significance.